The following is an entry in ClinVar:

ClinVar aggregate classification (germline): Uncertain significance (1 of 4 stars; one submission).

Conditions:
Familial thoracic aortic aneurysm and aortic dissection (TAAD). Also called: Thoracic aortic aneurysms and dissections. Identifiers: Orphanet 91387, MedGen C4707243, MONDO:0019625.

Allele frequency attached by ClinVar (database versions not stated): gnomAD exomes below 0.00001.

Submission:

Ambry Genetics
Classification: Uncertain significance for Familial thoracic aortic aneurysm and aortic dissection. Last evaluated: 2023-10-12. Review status: criteria provided, single submitter. Criteria: Ambry Variant Classification Scheme 2023. Collection method: clinical testing. Allele origin: germline.
Comment: The p.T91I variant (also known as c.272C>T), located in coding exon 2 of the SLC2A10 gene, results from a C to T substitution at nucleotide position 272. The threonine at codon 91 is replaced by isoleucine, an amino acid with similar properties. This amino acid position is conserved. In addition, this alteration is predicted to be tolerated by in silico analysis. Since supporting evidence is limited at this time, the clinical significance of this alteration remains unclear.

NM_030777.4(SLC2A10):c.272C>T (p.Thr91Ile)

Gene: SLC2A10 (solute carrier family 2 member 10; plus strand). Cytogenetic location: 20q13.12.
Variant type: single nucleotide variant.
Coding change: c.272C>T on transcript NM_030777.4 (MANE Select); coding-DNA position 272, C replaced by T.
Protein change: p.Thr91Ile; replaces threonine 91 with isoleucine.
Molecular consequence: missense variant.
Genome position (GRCh38, 1-based): chr20:46,725,308, C>T. VCF-style: chr20-46725308-C-T. GRCh37 (hg19) VCF-style: chr20-45353947-C-T.
Other names: short protein forms T91I.
Identifiers: ClinVar variation 3228069 (VCV003228069.1), dbSNP rs1568985084, ClinGen allele CA409266693.